The following is an entry in ClinVar:

ClinVar aggregate classification (germline): Uncertain significance (1 of 4 stars; one submission).

Conditions:
Inborn genetic diseases. Identifiers: MedGen C0950123, MeSH D030342.

gnomAD v4.1: 2 of 1,611,974 alleles (0.00012%); highest among the groups gnomAD compares: Non-Finnish European, 0.00017%; no homozygotes.

Submission:

Ambry Genetics
Classification: Uncertain significance for Inborn genetic diseases. Last evaluated: 2025-11-03. Review status: criteria provided, single submitter. Criteria: Ambry Variant Classification Scheme 2023. Collection method: clinical testing. Allele origin: germline.
Comment: The p.R197L variant (also known as c.590G>T), located in coding exon 5 of the PAX5 gene, results from a G to T substitution at nucleotide position 590. The arginine at codon 197 is replaced by leucine, an amino acid with dissimilar properties. This amino acid position is conserved. In addition, this alteration is predicted to be deleterious by in silico analysis. Based on the available evidence, the clinical significance of this variant remains unclear.

NM_016734.3(PAX5):c.590G>T (p.Arg197Leu)

Genes: PAX5 (paired box 5; minus strand), LOC105376032 (uncharacterized LOC105376032; plus strand). Cytogenetic location: 9p13.2.
Variant type: single nucleotide variant.
Coding change: c.590G>T on transcript NM_016734.3 (MANE Select); coding-DNA position 590, G replaced by T.
Protein change: p.Arg197Leu; replaces arginine 197 with leucine.
Molecular consequence: missense variant. On other transcripts: non-coding transcript variant (2), intron variant (2).
Genome position (GRCh38, 1-based): chr9:37,002,662, C>A on the plus strand (G>T on the coding strand, the complement: PAX5 is on the minus strand). VCF-style: chr9-37002662-C-A. GRCh37 (hg19) VCF-style: chr9-37002659-C-A.
Other names: c.590G>T, p.Arg197Leu (NM_001280547.2, NM_001280548.2, NM_001280549.2 and 2 more transcripts); c.266G>T, p.Arg89Leu (NM_001280551.2, NM_001280556.2); c.392G>T, p.Arg131Leu (NM_001280555.2); c.475+3811G>T (NM_001280553.2, NM_001280554.2); short protein forms R131L, R197L, R89L.
Identifiers: ClinVar variation 2550010 (VCV002550010.4), dbSNP rs1385943435, ClinGen allele CA373487313.